The following is an entry in ClinVar:

ClinVar aggregate classification (germline): Uncertain significance. Review status: criteria provided, multiple submitters, no conflicts (2 of 4 stars). 3 submissions from 3 submitters: Uncertain significance (3). Last evaluated 2026-01-19.

Conditions:
Inborn genetic diseases. Identifiers: MedGen C0950123, MeSH D030342.

gnomAD v4.1: 46 of 1,613,646 alleles (0.0029%); highest among the groups gnomAD compares: Admixed American, 0.0067%; no homozygotes.

Submissions (3):

Labcorp Genetics (formerly Invitae), Labcorp
Classification: Uncertain significance. Last evaluated: 2026-01-19. Review status: criteria provided, single submitter. Criteria: Invitae Variant Classification Sherloc (09022015). Collection method: clinical testing. Allele origin: germline.
Comment: This sequence change replaces proline, which is neutral and non-polar, with leucine, which is neutral and non-polar, at codon 893 of the KIAA0753 protein (p.Pro893Leu). This variant is present in population databases (rs112740973, gnomAD 0.01%). This variant has not been reported in the literature in individuals affected with KIAA0753-related conditions. ClinVar contains an entry for this variant (Variation ID: 1310620). An algorithm developed to predict the effect of missense changes on protein structure and function outputs the following: PolyPhen-2: "Benign". The leucine amino acid residue is found in multiple mammalian species, which suggests that this missense change does not adversely affect protein function. In summary, the available evidence is currently insufficient to determine the role of this variant in disease. Therefore, it has been classified as a Variant of Uncertain Significance.

Ambry Genetics
Classification: Uncertain significance for Inborn genetic diseases. Last evaluated: 2025-01-19. Review status: criteria provided, single submitter. Criteria: Ambry Variant Classification Scheme 2023. Collection method: clinical testing. Allele origin: germline.

GeneDx
Classification: Uncertain significance. Last evaluated: 2019-12-06. Review status: criteria provided, single submitter. Criteria: GeneDx Variant Classification Process June 2021. Collection method: clinical testing. Allele origin: germline. Affected: yes.
Comment: In silico analysis, which includes protein predictors and evolutionary conservation, supports that this variant does not alter protein structure/function; Has not been previously published as pathogenic or benign to our knowledge

NM_014804.3(KIAA0753):c.2678C>T (p.Pro893Leu)

Gene: KIAA0753 (KIAA0753; minus strand). Cytogenetic location: 17p13.1.
Variant type: single nucleotide variant.
Coding change: c.2678C>T on transcript NM_014804.3 (MANE Select); coding-DNA position 2678, C replaced by T.
Protein change: p.Pro893Leu; replaces proline 893 with leucine.
Molecular consequence: missense variant. On other transcripts: non-coding transcript variant (3).
Genome position (GRCh38, 1-based): chr17:6,589,887, G>A on the plus strand (C>T on the coding strand, the complement: KIAA0753 is on the minus strand). VCF-style: chr17-6589887-G-A. GRCh37 (hg19) VCF-style: chr17-6493207-G-A.
Other names: c.1781C>T, p.Pro594Leu (NM_001351225.2); short protein forms P594L, P893L.
Identifiers: ClinVar variation 1310620 (VCV001310620.7), dbSNP rs112740973, ClinGen allele CA8330077.
Genomic context (GRCh38, chr17:6,589,887, plus strand): 5'-ATGATCCGAAGGTACTGCTCAAAACGACTACAGTAGTCACCGATGCTGTGCTGCATACCC[G>A]GTGGGACAAAGAGGGGAGCTCGGCCTTCTTTCTGTTGAGAATCTTCGGCTAGGGAGAGAA-3'
Protein context (NP_055619.2, residues 883-903): KEGRAPLFVP[Pro893Leu]GMQHSIGDYC